The following is an entry in ClinVar:

NM_020717.5(SHROOM4):c.1568C>A (p.Ala523Asp)

Gene: SHROOM4 (shroom family member 4; minus strand). Cytogenetic location: Xp11.22.
Variant type: single nucleotide variant.
Coding change: c.1568C>A on transcript NM_020717.5 (MANE Select); coding-DNA position 1568, C replaced by A.
Protein change: p.Ala523Asp; replaces alanine 523 with aspartic acid.
Molecular consequence: missense variant. On other transcripts: non-coding transcript variant (4).
Genome position (GRCh38, 1-based): chrX:50,634,505, G>T on the plus strand (C>A on the coding strand, the complement: SHROOM4 is on the minus strand). VCF-style: chrX-50634505-G-T. GRCh37 (hg19) VCF-style: chrX-50377505-G-T.
Other names: short protein forms A523D.
Identifiers: ClinVar variation 2634523 (VCV002634523.2), dbSNP rs782673177, ClinGen allele CA10416235.

ClinVar aggregate classification (germline): Uncertain significance. Review status: criteria provided, multiple submitters, no conflicts (2 of 4 stars). 2 submissions from 2 submitters: Uncertain significance (2). Last evaluated 2024-08-21.

Conditions:
SHROOM4-related disorder. Also called: SHROOM4-related condition.

Allele frequency attached by ClinVar (database versions not stated): gnomAD exomes 0.00001; ExAC 0.00003; gnomAD 0.00014; 1000 Genomes Project 0.00026; 1000 Genomes Project 30x 0.00042.
gnomAD v4.1: 33 of 1,209,784 alleles (0.0027%); highest among the groups gnomAD compares: African/African-American, 0.039%; no homozygotes.

Submissions (2):

Ambry Genetics
Classification: Uncertain significance. Last evaluated: 2024-08-21. Review status: criteria provided, single submitter. Criteria: Ambry Variant Classification Scheme 2023. Collection method: clinical testing. Allele origin: germline.

PreventionGenetics, part of Exact Sciences
Classification: Uncertain significance for SHROOM4-related condition. Last evaluated: 2023-02-02. Review status: criteria provided, single submitter. Criteria: ACMG Guidelines, 2015. Collection method: clinical testing. Allele origin: germline.
Comment: The SHROOM4 c.1568C>A variant is predicted to result in the amino acid substitution p.Ala523Asp. To our knowledge, this variant has not been reported in the literature. This variant is reported in 0.021% of alleles in individuals of African descent in gnomAD. At this time, the clinical significance of this variant is uncertain due to the absence of conclusive functional and genetic evidence.